The following is an entry in ClinVar:

NM_201253.3(CRB1):c.2822C>T (p.Pro941Leu)

Gene: CRB1 (crumbs cell polarity complex component 1; plus strand). Cytogenetic location: 1q31.3.
Variant type: single nucleotide variant.
Coding change: c.2822C>T on transcript NM_201253.3 (MANE Select); coding-DNA position 2822, C replaced by T.
Protein change: p.Pro941Leu; replaces proline 941 with leucine.
Molecular consequence: missense variant. On other transcripts: non-coding transcript variant (2), intron variant (1).
Genome position (GRCh38, 1-based): chr1:197,429,594, C>T. VCF-style: chr1-197429594-C-T. GRCh37 (hg19) VCF-style: chr1-197398724-C-T.
Other names: c.2822C>T (NM_201253.2); c.2486C>T, p.Pro829Leu (NM_001193640.2); c.2750C>T, p.Pro917Leu (NM_001257965.2); c.2129-6006C>T (NM_001257966.2); short protein forms P829L, P941L, P917L.
Identifiers: ClinVar variation 2174200 (VCV002174200.3), dbSNP rs77334581, ClinGen allele CA1312213.

ClinVar aggregate classification (germline): Conflicting classifications of pathogenicity. Review status: criteria provided, conflicting classifications (1 of 4 stars). 3 submissions from 3 submitters: Uncertain significance (2); Likely benign (1). Last evaluated 2025-03-27.

Conditions:
Inborn genetic diseases. Identifiers: MedGen C0950123, MeSH D030342.
Retinal dystrophy. Also called: Inherited retinal dystrophy. Identifiers: Orphanet 71862, MedGen C0854723, MeSH D058499, MONDO:0019118, HP:0000556.
Retinitis pigmentosa 12 (RP12). Also called: RP WITH OR WITHOUT PPRPE; RP WITH OR WITHOUT PRESERVED PARAARTERIOLE RETINAL PIGMENT EPITHELIUM; RETINITIS PIGMENTOSA WITH OR WITHOUT PARAARTERIOLAR PRESERVATION OF RETINAL PIGMENT EPITHELIUM. Identifiers: Orphanet 791, MedGen C1838647, MONDO:0010818, OMIM 600105.
Leber congenital amaurosis 8 (LCA8). Identifiers: Orphanet 65, MedGen C3151202, MONDO:0013453, OMIM 613835.

Allele frequency attached by ClinVar (database versions not stated): ExAC 0.00002; 1000 Genomes Project 30x 0.00016; 1000 Genomes Project 0.00020.
gnomAD v4.1: 69 of 1,613,910 alleles (0.0043%); highest among the groups gnomAD compares: East Asian, 0.1%; no homozygotes.

Submissions (3):

Ambry Genetics
Classification: Likely benign for Inborn genetic diseases. Last evaluated: 2025-03-27. Review status: criteria provided, single submitter. Criteria: Ambry Variant Classification Scheme 2023. Collection method: clinical testing. Allele origin: germline.

Dept Of Ophthalmology, Nagoya University
Classification: Uncertain significance for Retinal dystrophy. Last evaluated: 2023-10-01. Review status: criteria provided, single submitter. Criteria: Submitter's publication. Collection method: research. Allele origin: germline. Affected: yes.

Labcorp Genetics (formerly Invitae), Labcorp
Classification: Uncertain significance for Leber congenital amaurosis 8; Retinitis pigmentosa 12. Last evaluated: 2022-06-16. Review status: criteria provided, single submitter. Criteria: Invitae Variant Classification Sherloc (09022015). Collection method: clinical testing. Allele origin: germline.
Comment: This sequence change replaces proline, which is neutral and non-polar, with leucine, which is neutral and non-polar, at codon 941 of the CRB1 protein (p.Pro941Leu). This variant is present in population databases (rs77334581, gnomAD 0.01%). This variant has not been reported in the literature in individuals affected with CRB1-related conditions. Advanced modeling of protein sequence and biophysical properties (such as structural, functional, and spatial information, amino acid conservation, physicochemical variation, residue mobility, and thermodynamic stability) performed at Invitae indicates that this missense variant is not expected to disrupt CRB1 protein function. In summary, the available evidence is currently insufficient to determine the role of this variant in disease. Therefore, it has been classified as a Variant of Uncertain Significance.